The following is an entry in ClinVar:

NM_000021.4(PSEN1):c.782T>C (p.Val261Ala)

Gene: PSEN1 (presenilin 1; plus strand). Cytogenetic location: 14q24.2.
Variant type: single nucleotide variant.
Coding change: c.782T>C on transcript NM_000021.4 (MANE Select); coding-DNA position 782, T replaced by C.
Protein change: p.Val261Ala; replaces valine 261 with alanine.
Molecular consequence: missense variant.
Genome position (GRCh38, 1-based): chr14:73,198,043, T>C. VCF-style: chr14-73198043-T-C. GRCh37 (hg19) VCF-style: chr14-73664751-T-C.
Other names: c.770T>C, p.Val257Ala (NM_007318.3); c.782T>C (NM_000021.3); short protein forms V257A, V261A.
Identifiers: ClinVar variation 1178341 (VCV001178341.9), dbSNP rs199723282, ClinGen allele CA390301928.
Genomic context (GRCh38, chr14:73,198,043, plus strand): 5'-TTAGCCCATACATTTTATTAGATGTCTTTTATGTTTTTCTTTTTCTAGATTTAGTGGCTG[T>C]TTTGTGTCCGAAAGGTCCACTTCGTATGCTGGTTGAAACAGCTCAGGAGAGAAATGAAAC-3'
Protein context (NP_000012.1, residues 251-271): AVISVYDLVA[Val261Ala]LCPKGPLRML

ClinVar aggregate classification (germline): Conflicting classifications of pathogenicity. Review status: criteria provided, conflicting classifications (1 of 4 stars). 4 submissions from 4 submitters: Pathogenic (1); Likely pathogenic (2); Uncertain significance (1). Last evaluated 2024-10-09.

Conditions:
Alzheimer disease 3 (AD3). Also called: ALZHEIMER DISEASE, FAMILIAL, 3. Identifiers: Orphanet 1020, MedGen C1843013, MONDO:0011913, OMIM 607822.
Alzheimer disease. Also called: Presenile and senile dementia; Alzheimer's disease. Identifiers: Orphanet 1020, MedGen C0002395, MeSH D000544, MONDO:0004975, HP:0002511.
Pick disease. Also called: Pick's disease; Pick Disease of the Brain; LOBAR ATROPHY OF BRAIN; PICK DISEASE OF BRAIN; DEMENTIA WITH LOBAR ATROPHY AND NEURONAL CYTOPLASMIC INCLUSIONS. Identifiers: Orphanet 282, MedGen C0236642, MONDO:0008243, OMIM 172700.
Acne inversa, familial, 3 (ACNINV3). Identifiers: MedGen C3151038, MONDO:0013398, OMIM 613737.
Frontotemporal dementia (FTD1). Also called: Frontotemporal lobe dementia (FLDEM); FRONTOTEMPORAL DEMENTIA WITH PARKINSONISM; FRONTOTEMPORAL LOBE DEMENTIA; MULTIPLE SYSTEM TAUOPATHY WITH PRESENILE DEMENTIA; Dementia, frontotemporal, with or without parkinsonism; WILHELMSEN-LYNCH DISEASE. Identifiers: Orphanet 282, MedGen C0338451, MONDO:0017276, OMIM 600274, HP:0002145.

Submissions (4):

Victorian Clinical Genetics Services, Murdoch Childrens Research Institute
Classification: Pathogenic for Alzheimer disease. Last evaluated: 2024-10-09. Review status: criteria provided, single submitter. Criteria: ACMG Guidelines, 2015. Collection method: clinical testing. Allele origin: germline. Inheritance: Autosomal dominant inheritance. Affected: yes.
Comment: Based on the classification scheme VCGS_Germline_v1.3.4, this variant is classified as Pathogenic. Following criteria are met: 0104 - Dominant negative is a likely mechanism of disease in this gene and is associated with Alzheimer disease (PMID: 27930341, 28082723, 29142009). (I) 0107 - This gene is associated with autosomal dominant disease. (I) 0200 - Variant is predicted to result in a missense amino acid change from valine to alanine. (I) 0251 - This variant is heterozygous. (I) 0301 - Variant is absent from gnomAD (both v2 and v3). (SP) 0501 - Missense variant consistently predicted to be damaging by multiple in silico tools or highly conserved with a major amino acid change. (SP) 0600 - Variant is located in the annotated presenilin domain (DECIPHER). (I) 0701 - Other missense variants comparable to the one identified in this case have very strong previous evidence for pathogenicity. p.(Val261Phe), p.(Val261Leu) and p.(Val261Ile) have been observed in multiple unrelated individuals with Alzheimer disease in the literature (PMID: 19021905, 19915487,11524469, 18637955, 34918018, 31920494). p.(Val261Gly) has been classified as benign in ClinVar, however this was not considered to be conflicting evidence of pathogenicity for this amino acid as the glycine substitution is also observed at high frequency in gnomAD, where it fails quality filters. (SP) 0803 - This variant has limited previous evidence of pathogenicity in unrelated individuals. This variant has been classified as likely pathogenic and a VUS in ClinVar. This variant has been observed in an individual with Alzheimer disease and classified as likely pathogenic (PMID: 35260199). (SP) 0905 - No published segregation evidence has been identified for this variant. (I) 1007 - No published functional evidence has been identified for this variant. (I) 1208 - Inheritance information for this variant is not currently available in this individual. (I) Legend: (SP) - Supporting pathogenic, (I) - Information, (SB) - Supporting benign

Labcorp Genetics (formerly Invitae), Labcorp
Classification: Likely pathogenic for Alzheimer disease 3; Pick disease; Acne inversa, familial, 3; Frontotemporal dementia. Last evaluated: 2022-07-08. Review status: criteria provided, single submitter. Criteria: Invitae Variant Classification Sherloc (09022015). Collection method: clinical testing. Allele origin: germline.
Comment: ClinVar contains an entry for this variant (Variation ID: 1178341). Advanced modeling of protein sequence and biophysical properties (such as structural, functional, and spatial information, amino acid conservation, physicochemical variation, residue mobility, and thermodynamic stability) performed at Invitae indicates that this missense variant is expected to disrupt PSEN1 protein function. This variant disrupts the p.Val261 amino acid residue in PSEN1. Other variant(s) that disrupt this residue have been observed in individuals with PSEN1-related conditions (PMID: 18637955, 24928124), which suggests that this may be a clinically significant amino acid residue. In summary, the currently available evidence indicates that the variant is pathogenic, but additional data are needed to prove that conclusively. Therefore, this variant has been classified as Likely Pathogenic. This sequence change replaces valine, which is neutral and non-polar, with alanine, which is neutral and non-polar, at codon 261 of the PSEN1 protein (p.Val261Ala). This variant is not present in population databases (gnomAD no frequency). This variant has not been reported in the literature in individuals affected with PSEN1-related conditions.

Athena Diagnostics
Classification: Uncertain significance. Last evaluated: 2022-06-03. Review status: criteria provided, single submitter. Criteria: Athena Diagnostics Criteria. Collection method: clinical testing. Allele origin: unknown.

Kosik Lab, Neuroscience Research Institute, University of California Santa Barbara
Classification: Likely pathogenic for Alzheimer disease 3. Last evaluated: 2021-06-01. Review status: criteria provided, single submitter. Criteria: ACMG Guidelines, 2015. Collection method: case-control. Allele origin: unknown. Affected: yes. Observed: 1 variant allele. Study: TANGL.
Comment: ACMG criteria classifies the variant as Pathogenic (PS1, PS4, PM2, PP2, PP3).

Literature cited by the submitters: PubMed 11524469 (cited by Victorian Clinical Genetics Services, Murdoch Childrens Research Institute); PubMed 18637955 (cited by 3 submitters); PubMed 19021905 (cited by Victorian Clinical Genetics Services, Murdoch Childrens Research Institute); PubMed 19915487 (cited by Victorian Clinical Genetics Services, Murdoch Childrens Research Institute); PubMed 27930341 (cited by Victorian Clinical Genetics Services, Murdoch Childrens Research Institute); PubMed 28082723 (cited by Victorian Clinical Genetics Services, Murdoch Childrens Research Institute); PubMed 29142009 (cited by Victorian Clinical Genetics Services, Murdoch Childrens Research Institute); PubMed 31920494 (cited by Victorian Clinical Genetics Services, Murdoch Childrens Research Institute); PubMed 34918018 (cited by Victorian Clinical Genetics Services, Murdoch Childrens Research Institute); PubMed 35260199 (cited by Victorian Clinical Genetics Services, Murdoch Childrens Research Institute and Athena Diagnostics); PubMed 24928124 (cited by Labcorp Genetics (formerly Invitae), Labcorp).